The following is an entry in ClinVar:

GRCh37/hg19 17p13.3(chr17:1070609-1281546)x3

Genes: ABR (ABR activator of RhoGEF and GTPase; minus strand), BHLHA9 (basic helix-loop-helix family member a9; plus strand), TRARG1 (trafficking regulator of GLUT4 (SLC2A4) 1; plus strand), YWHAE (tyrosine 3-monooxygenase/tryptophan 5-monooxygenase activation protein epsilon; minus strand). Cytogenetic location: 17p13.3.
Variant type: copy number gain.
Change: copy number 3 (three copies instead of two) of chr17:1,070,609-1,281,546 (210.9 kb, GRCh37 coordinates, 1-based), cytogenetic band 17p13.3.
Identifiers: ClinVar variation 1807803 (VCV001807803.1).

ClinVar aggregate classification (germline): Likely pathogenic (1 of 4 stars; one submission).

Submission:

Quest Diagnostics Nichols Institute San Juan Capistrano
Classification: Likely pathogenic. Last evaluated: 2021-11-10. Review status: criteria provided, single submitter. Criteria: ACMG/ClinGen CNV Guidelines, 2019. Collection method: clinical testing. Allele origin: unknown.
Comment: The copy number gain of 17p13.3 involves multiple protein-coding genes, including a full copy of BHLHA9 (OMIM 615416) and portions of YWHAE (OMIM 605066; NM_006761.5) and ABR (OMIM 600365; NM_001092.5). It is not clear whether the expression of either YWHAE or ABR has been disrupted by this partial gain. This interval lies within the larger region of chromosome 17p13.3 duplication syndrome (OMIM 613215), which typically encompasses PAFAH1B1 (OMIM 601545) and may extend distally to include YWHAE and other genes. However, PAFAH1B1 is not encompassed in the current interval and YWHAE is only partially duplicated. Conversely, reciprocal deletions including PAFAH1B1 are associated with Miller-Dieker lissencephaly syndrome (MDLS; OMIM 247200), and deletions extending into YWHAE are associated with a more severe grade of lissencephaly and additional features seen in patient with MDLS. Although haploinsufficiency of YWHAE has not been established, deletions including YWHAE, but not PAFAH1B1, have been associated with a phenotype characterized by intellectual disability, moderate to severe growth restriction, white matter abnormalities, and other congenital malformations, including Chiari malformation and coloboma (Noor 2018, Tenney 2011, Bruno 2010, Schiff 2010, Nagamani 2009). Among the reported cases, there is a patient with a focal deletion of YWHAE who had learning disabilities, seizures, and brain abnormalities, including Chiari malformation type I, thin corpus callosum, cavum septum pellucidum, and cavum vergae (Noor 2018). Additionally, haploinsufficiency of ABR may have a role in the development of cleft lip and/or palate in some patients with MDLS (Curry 2013, Bruno 2010, Mignon-Ravix 2010, Nagamani 2009). Furthermore, similar and smaller duplications involving BHLHA9 have been reported in many families segregating hand/foot with long bone deficiency with reduced penetrance and variable expressivity, apparently with a strong male bias (Paththinige 2019, Klopocki 2012, Armour 2011). Although there are multiple similar copy number gains of this region in the general populations of Database of Genomic Variants (DGV) based on gene content and review of the literature the clinical significance of this copy number variant (CNV) is interpreted as likely pathogenic. References: Armour et al., Eur J Hum Genet. 2011 Nov;19(11):1144-51. PMID: 21629300. Bruno et al., J Med Genet. 2010 May;47(5):299-311. PMID: 20452996. Curry et al., Am J Med Genet A. 2013 Aug;161A(8):1833-52. PMID: 23813913. Klopocki et al., J Med Genet. 2012 Feb;49(2):119-25. PMID: 22147889. Mignon-Ravix et al., J Med Genet. 2010 Feb;47(2):132-6. PMID: 19635726; Nagamani et al., J Med Genet. 2009 Dec;46(12):825-33. PMID: 19584063. Noor et al., Clin Genet. 2018 Feb;93(2):365-367. PMID: 28542865. Paththinige et al., BMC Med Genet. 2019 Jun 14;20(1):108. PMID: 31200655. Schiff et al., Eur J Med Genet. Sep-Oct 2010;53(5):303-8. PMID: 20599530. Tenney et al., J Child Neurol. 2011 Feb;26(2):223-7. PMID: 20833799.